The following is an entry in ClinVar:

NM_002691.4(POLD1):c.800A>G (p.Glu267Gly)

Gene: POLD1 (DNA polymerase delta 1, catalytic subunit; plus strand). Cytogenetic location: 19q13.33.
Variant type: single nucleotide variant.
Coding change: c.800A>G on transcript NM_002691.4 (MANE Select); coding-DNA position 800, A replaced by G.
Protein change: p.Glu267Gly; replaces glutamic acid 267 with glycine.
Molecular consequence: missense variant. On other transcripts: non-coding transcript variant (1).
Genome position (GRCh38, 1-based): chr19:50,402,495, A>G. VCF-style: chr19-50402495-A-G. GRCh37 (hg19) VCF-style: chr19-50905752-A-G.
Other names: c.800A>G, p.Glu267Gly (NM_001256849.1, NM_001308632.1); short protein forms E267G.
Identifiers: ClinVar variation 1404155 (VCV001404155.8), dbSNP rs2122250440, ClinGen allele CA406974964.
Genomic context (GRCh38, chr19:50,402,495, plus strand): 5'-GACCCCCAGCCCCCTCCAGGTTCATGGTGGACACGGACATCGTCGGCTGCAACTGGCTGG[A>G]GCTCCCAGCTGGGAAATACGCCCTGAGGCTGAAGGAGAAGGTGCAGGGCTTCCCAGGGCA-3'
Protein context (NP_002682.2, residues 257-277): DTDIVGCNWL[Glu267Gly]LPAGKYALRL

ClinVar aggregate classification (germline): Uncertain significance (1 of 4 stars; one submission).

Conditions:
POLD1-related polyposis and colorectal cancer syndrome (CRCS10). Also called: Colorectal cancer, susceptibility to, 10; Colorectal cancer 10; COLORECTAL CANCER, SUSCEPTIBILITY TO, ON CHROMOSOME 19q. Identifiers: Orphanet 220460, MedGen C2675481, MONDO:0012953, OMIM 612591.

Submission:

Labcorp Genetics (formerly Invitae), Labcorp
Classification: Uncertain significance for POLD1-related polyposis and colorectal cancer syndrome. Last evaluated: 2021-07-03. Review status: criteria provided, single submitter. Criteria: Invitae Variant Classification Sherloc (09022015). Collection method: clinical testing. Allele origin: germline.
Comment: In summary, the available evidence is currently insufficient to determine the role of this variant in disease. Therefore, it has been classified as a Variant of Uncertain Significance. Algorithms developed to predict the effect of missense changes on protein structure and function are either unavailable or do not agree on the potential impact of this missense change (SIFT: "Deleterious"; PolyPhen-2: "Benign"; Align-GVGD: "Class C0"). This variant has not been reported in the literature in individuals affected with POLD1-related conditions. This variant is not present in population databases (ExAC no frequency). This sequence change replaces glutamic acid with glycine at codon 267 of the POLD1 protein (p.Glu267Gly). The glutamic acid residue is highly conserved and there is a moderate physicochemical difference between glutamic acid and glycine.